The following is an entry in ClinVar:

ClinVar aggregate classification (germline): Uncertain significance. Review status: criteria provided, multiple submitters, no conflicts (2 of 4 stars). 2 submissions from 2 submitters: Uncertain significance (2). Last evaluated 2022-07-29.

Conditions:
Inborn genetic diseases. Identifiers: MedGen C0950123, MeSH D030342.
Charcot-Marie-Tooth disease type 4. Also called: Charcot-Marie-Tooth disease, type IV; Charcot-Marie-Tooth, Type 4. Identifiers: Orphanet 64749, MedGen C4082197, MONDO:0018995.

Allele frequency attached by ClinVar (database versions not stated): gnomAD exomes 0.00001; TOPMed below 0.00001; ExAC 0.00001.
gnomAD v4.1: 21 of 1,609,966 alleles (0.0013%); highest among the groups gnomAD compares: Admixed American, 0.0017%; no homozygotes.

Submissions (2):

Ambry Genetics
Classification: Uncertain significance for Inborn genetic diseases. Last evaluated: 2022-07-29. Review status: criteria provided, single submitter. Criteria: Ambry Variant Classification Scheme 2023. Collection method: clinical testing. Allele origin: germline.
Comment: The p.T1220A variant (also known as c.3658A>G), located in coding exon 28 of the SBF2 gene, results from an A to G substitution at nucleotide position 3658. The threonine at codon 1220 is replaced by alanine, an amino acid with similar properties. This amino acid position is conserved. In addition, this alteration is predicted to be tolerated by in silico analysis. Since supporting evidence is limited at this time, the clinical significance of this alteration remains unclear.

Labcorp Genetics (formerly Invitae), Labcorp
Classification: Uncertain significance for Charcot-Marie-Tooth disease type 4. Last evaluated: 2021-08-30. Review status: criteria provided, single submitter. Criteria: Invitae Variant Classification Sherloc (09022015). Collection method: clinical testing. Allele origin: germline.
Comment: This sequence change replaces threonine with alanine at codon 1220 of the SBF2 protein (p.Thr1220Ala). The threonine residue is weakly conserved and there is a small physicochemical difference between threonine and alanine. This variant is present in population databases (rs753811515, ExAC 0.001%). This variant has not been reported in the literature in individuals affected with SBF2-related conditions. Algorithms developed to predict the effect of missense changes on protein structure and function output the following: SIFT: "Tolerated"; PolyPhen-2: "Benign"; Align-GVGD: "Class C0". The alanine amino acid residue is found in multiple mammalian species, which suggests that this missense change does not adversely affect protein function. In summary, the available evidence is currently insufficient to determine the role of this variant in disease. Therefore, it has been classified as a Variant of Uncertain Significance.

NM_030962.4(SBF2):c.3658A>G (p.Thr1220Ala)

Gene: SBF2 (SET binding factor 2; minus strand). Cytogenetic location: 11p15.4.
Variant type: single nucleotide variant.
Coding change: c.3658A>G on transcript NM_030962.4 (MANE Select); coding-DNA position 3658, A replaced by G.
Protein change: p.Thr1220Ala; replaces threonine 1220 with alanine.
Molecular consequence: missense variant.
Genome position (GRCh38, 1-based): chr11:9,829,491, T>C on the plus strand (A>G on the coding strand, the complement: SBF2 is on the minus strand). VCF-style: chr11-9829491-T-C. GRCh37 (hg19) VCF-style: chr11-9851038-T-C.
Other names: c.3658A>G, p.Thr1220Ala (NM_001386339.1); c.3529A>G, p.Thr1177Ala (NM_001386342.1); short protein forms T1220A, T1177A.
Identifiers: ClinVar variation 838314 (VCV000838314.9), dbSNP rs753811515, ClinGen allele CA5881195.